The following is an entry in ClinVar:

ClinVar aggregate classification (germline): Uncertain significance (1 of 4 stars; one submission).

Conditions:
Hereditary cancer-predisposing syndrome. Also called: Hereditary neoplastic syndrome; Neoplastic Syndromes, Hereditary; Tumor predisposition; Hereditary Cancer Syndrome. Identifiers: Orphanet 140162, MedGen C0027672, MeSH D009386, MONDO:0015356.

Submission:

Ambry Genetics
Classification: Uncertain significance for Hereditary cancer-predisposing syndrome. Last evaluated: 2025-01-09. Review status: criteria provided, single submitter. Criteria: Ambry Variant Classification Scheme 2023. Collection method: clinical testing. Allele origin: germline.
Comment: The p.H583D variant (also known as c.1747C>G), located in coding exon 9 of the ALK gene, results from a C to G substitution at nucleotide position 1747. The histidine at codon 583 is replaced by aspartic acid, an amino acid with similar properties. This amino acid position is conserved. In addition, this alteration is predicted to be tolerated by in silico analysis. Based on the available evidence, the clinical significance of this variant remains unclear.

NM_004304.5(ALK):c.1747C>G (p.His583Asp)

Gene: ALK (ALK receptor tyrosine kinase; minus strand). Cytogenetic location: 2p23.2.
Variant type: single nucleotide variant.
Coding change: c.1747C>G on transcript NM_004304.5 (MANE Select); coding-DNA position 1747, C replaced by G.
Protein change: p.His583Asp; replaces histidine 583 with aspartic acid.
Molecular consequence: missense variant.
Genome position (GRCh38, 1-based): chr2:29,296,958, G>C on the plus strand (C>G on the coding strand, the complement: ALK is on the minus strand). VCF-style: chr2-29296958-G-C. GRCh37 (hg19) VCF-style: chr2-29519824-G-C.
Other names: short protein forms H583D.
Identifiers: ClinVar variation 3855272 (VCV003855272.1).